The following is an entry in ClinVar:

ClinVar aggregate classification (germline): Uncertain significance (1 of 4 stars; one submission).

Conditions:
Alstrom syndrome (ALMS). Identifiers: Orphanet 64, MedGen C0268425, MONDO:0008763, OMIM 203800.

Allele frequency attached by ClinVar (database versions not stated): gnomAD exomes below 0.00001; TOPMed below 0.00001; gnomAD 0.00001.
gnomAD v4.1: 2 of 1,559,242 alleles (0.00013%); highest among the groups gnomAD compares: Non-Finnish European, 0.00017%; no homozygotes.

Submission:

Labcorp Genetics (formerly Invitae), Labcorp
Classification: Uncertain significance for Alstrom syndrome. Last evaluated: 2025-01-11. Review status: criteria provided, single submitter. Criteria: Invitae Variant Classification Sherloc (09022015). Collection method: clinical testing. Allele origin: germline.
Comment: This sequence change replaces aspartic acid, which is acidic and polar, with asparagine, which is neutral and polar, at codon 56 of the ALMS1 protein (p.Asp56Asn). This variant is not present in population databases (gnomAD no frequency). This variant has not been reported in the literature in individuals affected with ALMS1-related conditions. ClinVar contains an entry for this variant (Variation ID: 1979425). Experimental studies and prediction algorithms are not available or were not evaluated, and the functional significance of this variant is currently unknown. In summary, the available evidence is currently insufficient to determine the role of this variant in disease. Therefore, it has been classified as a Variant of Uncertain Significance.

NM_001378454.1(ALMS1):c.163G>A (p.Asp55Asn)

Gene: ALMS1 (ALMS1 centrosome and basal body associated protein; plus strand). Cytogenetic location: 2p13.1.
Variant type: single nucleotide variant.
Coding change: c.163G>A on transcript NM_001378454.1 (MANE Select); coding-DNA position 163, G replaced by A.
Protein change: p.Asp55Asn; replaces aspartic acid 55 with asparagine.
Molecular consequence: missense variant.
Genome position (GRCh38, 1-based): chr2:73,386,031, G>A. VCF-style: chr2-73386031-G-A. GRCh37 (hg19) VCF-style: chr2-73613159-G-A.
Other names: c.166G>A, p.Asp56Asn (NM_015120.4); short protein forms D56N, D55N.
Identifiers: ClinVar variation 1979425 (VCV001979425.3), dbSNP rs1357904820, ClinGen allele CA347250735.